The following is an entry in ClinVar:

ClinVar aggregate classification (germline): Benign. Review status: criteria provided, multiple submitters, no conflicts (2 of 4 stars). 3 submissions from 3 submitters: Benign (3). Last evaluated 2024-03-01.

Allele frequency attached by ClinVar (database versions not stated): 1000 Genomes Project 0.00280; gnomAD 0.00767 and 0.00900; gnomAD exomes 0.00805 and 0.01115; TOPMed 0.00868; ExAC 0.00873; ESP Exome Variant Server 0.00924; 1000 Genomes Project 30x 0.00234.
gnomAD v4.1: 17,330 of 1,605,380 alleles (1.1%); highest among the groups gnomAD compares: Non-Finnish European, 1.3%; 120 homozygotes.

Submissions (3):

CeGaT Center for Human Genetics Tuebingen
Classification: Benign. Last evaluated: 2024-03-01. Review status: criteria provided, single submitter. Criteria: CeGaT Center For Human Genetics Tuebingen Variant Classification Criteria Version 2. Collection method: clinical testing. Allele origin: germline. Affected: yes. Observed: 2 variant alleles.
Comment: NUMA1: BP4, BS1, BS2

Labcorp Genetics (formerly Invitae), Labcorp
Classification: Benign. Last evaluated: 2018-03-28. Review status: criteria provided, single submitter. Criteria: Invitae Variant Classification Sherloc (09022015). Collection method: clinical testing. Allele origin: germline.

Breakthrough Genomics
Classification: Benign. Review status: criteria provided, single submitter. Criteria: ACMG Guidelines, 2015. Collection method: not provided. Allele origin: germline. Inheritance: Unknown mechanism. Affected: yes.

NM_006185.4(NUMA1):c.2915G>A (p.Arg972Gln)

Genes: NUMA1 (nuclear mitotic apparatus protein 1; minus strand), NUMA1-AS1 (NUMA1 antisense RNA 1; plus strand). Cytogenetic location: 11q13.4.
Variant type: single nucleotide variant.
Coding change: c.2915G>A on transcript NM_006185.4 (MANE Select); coding-DNA position 2915, G replaced by A.
Protein change: p.Arg972Gln; replaces arginine 972 with glutamine.
Molecular consequence: missense variant.
Genome position (GRCh38, 1-based): chr11:72,014,588, C>T on the plus strand (G>A on the coding strand, the complement: NUMA1 is on the minus strand). VCF-style: chr11-72014588-C-T. GRCh37 (hg19) VCF-style: chr11-71725634-C-T.
Other names: c.2915G>A, p.Arg972Gln (NM_001286561.2); short protein forms R972Q.
Identifiers: ClinVar variation 778043 (VCV000778043.26), dbSNP rs149184541, ClinGen allele CA6167376.
Genomic context (GRCh38, chr11:72,014,588, plus strand): 5'-TGGCTCTCCATCAGCGCGGCCCGCAGCCGTTCCAGCTCATTGCCCATCTGCTCTGCCTCC[C>T]GCTCCATAGCCTGCAGCGCTGCCTGTGTGCTGCAGAACTGGCGTCCCTGTTGCTCTTCCA-3'
Protein context (NP_006176.2, residues 962-982): STQAALQAME[Arg972Gln]EAEQMGNELE